The following is an entry in ClinVar:

ClinVar aggregate classification (germline): Pathogenic. Review status: criteria provided, single submitter (1 of 4 stars). 2 submissions from 2 submitters: Pathogenic (1). 1 of the submissions does not count toward it. Last evaluated 2025-08-21.

Conditions:
Muscular dystrophy-dystroglycanopathy (congenital with brain and eye anomalies), type a, 10 (MDDGA10). Also called: WALKER-WARBURG SYNDROME OR MUSCLE-EYE-BRAIN DISEASE, TMEM5-RELATED. Identifiers: Orphanet 899, MedGen C3554381, MONDO:0014022, OMIM 615041.

Allele frequency attached by ClinVar (database versions not stated): gnomAD exomes below 0.00001; TOPMed below 0.00001; gnomAD 0.00001.

Submissions (2):

Labcorp Genetics (formerly Invitae), Labcorp
Classification: Pathogenic. Last evaluated: 2025-08-21. Review status: criteria provided, single submitter. Criteria: Invitae Variant Classification Sherloc (09022015). Collection method: clinical testing. Allele origin: germline.
Comment: This sequence change creates a premature translational stop signal (p.Arg266Glyfs*8) in the RXYLT1 gene. It is expected to result in an absent or disrupted protein product. Loss-of-function variants in RXYLT1 are known to be pathogenic (PMID: 23217329, 23519211, 31742715). This variant is present in population databases (rs397514543, gnomAD 0.003%). This premature translational stop signal has been observed in individual(s) with autosomal recessive muscular dystrophy-dystroglycanopathy (PMID: 23217329). ClinVar contains an entry for this variant (Variation ID: 39603). For these reasons, this variant has been classified as Pathogenic.

OMIM
Classification: Pathogenic for MUSCULAR DYSTROPHY-DYSTROGLYCANOPATHY (CONGENITAL WITH BRAIN AND EYE ANOMALIES), TYPE A, 10. Last evaluated: 2012-12-07. Review status: no assertion criteria provided. Collection method: literature only. Allele origin: germline. Not counted in ClinVar's aggregate classification.

Literature cited by the submitters: PubMed 23217329 (cited by Labcorp Genetics (formerly Invitae), Labcorp and OMIM); PubMed 23519211 (cited by Labcorp Genetics (formerly Invitae), Labcorp); PubMed 31742715 (cited by Labcorp Genetics (formerly Invitae), Labcorp).

NM_014254.3(RXYLT1):c.795del (p.Arg266fs)

Gene: RXYLT1 (ribitol xylosyltransferase 1; plus strand). Cytogenetic location: 12q14.2.
Variant type: Deletion.
Coding change: c.795del on transcript NM_014254.3 (MANE Select); coding-DNA position 795, one base deleted (G; older notation c.795delG).
Protein change: p.Arg266fs; shifts the reading frame from arginine 266.
Molecular consequence: frameshift variant.
Genome position (GRCh38, 1-based): chr12:63,805,285, G deleted. VCF-style (leftmost placement, unchanged base first): chr12-63805284-AG-A. GRCh37 (hg19) VCF-style: chr12-64199064-AG-A.
Other names: c.15del, p.Arg6fs (NM_001278237.2); short protein forms R266fs, R6fs.
Identifiers: ClinVar variation 39603 (VCV000039603.4), dbSNP rs397514543, ClinGen allele CA130398.